The following is an entry in ClinVar:

ClinVar aggregate classification (germline): Uncertain significance (1 of 4 stars; one submission).

Submission:

GeneDx
Classification: Uncertain significance. Last evaluated: 2019-09-23. Review status: criteria provided, single submitter. Criteria: GeneDx Variant Classification Process June 2021. Collection method: clinical testing. Allele origin: germline. Affected: yes.
Comment: Not observed in large population cohorts (Lek et al., 2016); In silico analysis, which includes protein predictors and evolutionary conservation, supports that this variant does not alter protein structure/function; Has not been previously published as pathogenic or benign to our knowledge

NM_001374828.1(ARID1B):c.1222G>C (p.Gly408Arg)

Gene: ARID1B (AT-rich interaction domain 1B; plus strand). Cytogenetic location: 6q25.3.
Variant type: single nucleotide variant.
Coding change: c.1222G>C on transcript NM_001374828.1 (MANE Select); coding-DNA position 1222, G replaced by C.
Protein change: p.Gly408Arg; replaces glycine 408 with arginine.
Molecular consequence: missense variant.
Genome position (GRCh38, 1-based): chr6:156,778,902, G>C. VCF-style: chr6-156778902-G-C. GRCh37 (hg19) VCF-style: chr6-157100036-G-C.
Other names: c.973G>C (NM_020732.3); c.1222G>C, p.Gly408Arg (NM_001371656.1, NM_001374820.1, NM_017519.3); short protein forms G408R.
Identifiers: ClinVar variation 1312462 (VCV001312462.2), dbSNP rs2114989675, ClinGen allele CA366383590.